The following is an entry in ClinVar:

NM_033056.4(PCDH15):c.5450C>T (p.Pro1817Leu)

Gene: PCDH15 (protocadherin related 15; minus strand). Cytogenetic location: 10q21.1.
Variant type: single nucleotide variant.
Coding change: c.5450C>T on transcript NM_033056.4 (MANE Plus Clinical); coding-DNA position 5450, C replaced by T.
Protein change: p.Pro1817Leu; replaces proline 1817 with leucine.
Molecular consequence: missense variant. On other transcripts: intron variant (8).
Genome position (GRCh38, 1-based): chr10:53,822,276, G>A on the plus strand (C>T on the coding strand, the complement: PCDH15 is on the minus strand). VCF-style: chr10-53822276-G-A. GRCh37 (hg19) VCF-style: chr10-55582036-G-A.
Other names: c.5471C>T, p.Pro1824Leu (NM_001142763.2); c.5456C>T, p.Pro1819Leu (NM_001142764.2); c.5243C>T, p.Pro1748Leu (NM_001142765.2); c.5441C>T, p.Pro1814Leu (NM_001142766.2); c.5330C>T, p.Pro1777Leu (NM_001142767.2); c.5390C>T, p.Pro1797Leu (NM_001142768.2); c.5381C>T, p.Pro1794Leu (NM_001142773.2); c.5384C>T, p.Pro1795Leu (NM_001354404.2); and 7 more; short protein forms P1817L, P1748L, P1794L, P1797L, P1819L, P1814L, P1777L, P1795L.
Identifiers: ClinVar variation 300170 (VCV000300170.10), dbSNP rs759208006, ClinGen allele CA5505032.
Genomic context (GRCh38, chr10:53,822,276, plus strand): 5'-GACAGAAATGAAGCTGAAGGAGGTGGAGGGCAAGGAATAGAAGGAGGTGGTGGAGGAAGA[G>A]GAGTTGGAAATGGAGGTAGAAGAGGTGGTGTTGGGGGACCAGACGTTGAAACGGAAAGTG-3'
Protein context (NP_149045.3, residues 1807-1827): TPPLLPPFPT[Pro1817Leu]LPPPPPSIPC

ClinVar aggregate classification (germline): Uncertain significance. Review status: criteria provided, multiple submitters, no conflicts (2 of 4 stars). 4 submissions from 4 submitters: Uncertain significance (3). 1 of the submissions does not count toward it. Last evaluated 2022-12-27.

Conditions:
Inborn genetic diseases. Identifiers: MedGen C0950123, MeSH D030342.
Usher syndrome type 1 (USH1). Also called: RETINITIS PIGMENTOSA AND CONGENITAL DEAFNESS. Identifiers: Orphanet 231169, Orphanet 886, MedGen C1568247, MONDO:0010168, OMIM 276900.
Usher syndrome type 1F (USH1F). Also called: USHER SYNDROME, TYPE IF. Identifiers: Orphanet 231169, Orphanet 886, MedGen C1865885, MONDO:0011186, OMIM 602083.

Allele frequency attached by ClinVar (database versions not stated): TOPMed 0.00003; gnomAD exomes 0.00008 and 0.00002; gnomAD 0.00004; ExAC 0.00002.

Submissions (4):

Ambry Genetics
Classification: Uncertain significance for Inborn genetic diseases. Last evaluated: 2022-12-27. Review status: criteria provided, single submitter. Criteria: Ambry Variant Classification Scheme 2023. Collection method: clinical testing. Allele origin: germline.

Labcorp Genetics (formerly Invitae), Labcorp
Classification: Uncertain significance. Last evaluated: 2022-09-20. Review status: criteria provided, single submitter. Criteria: Invitae Variant Classification Sherloc (09022015). Collection method: clinical testing. Allele origin: germline.
Comment: This sequence change replaces proline, which is neutral and non-polar, with leucine, which is neutral and non-polar, at codon 1817 of the PCDH15 protein (p.Pro1817Leu). This variant is present in population databases (rs759208006, gnomAD 0.007%). This variant has not been reported in the literature in individuals affected with PCDH15-related conditions. ClinVar contains an entry for this variant (Variation ID: 300170). Algorithms developed to predict the effect of missense changes on protein structure and function are either unavailable or do not agree on the potential impact of this missense change (SIFT: "Tolerated"; PolyPhen-2: "Not Available"; Align-GVGD: "Class C0"). In summary, the available evidence is currently insufficient to determine the role of this variant in disease. Therefore, it has been classified as a Variant of Uncertain Significance.

Illumina Laboratory Services, Illumina
Classification: Uncertain significance for Usher syndrome type 1. Last evaluated: 2018-01-12. Review status: criteria provided, single submitter. Criteria: ICSL Variant Classification Criteria 13 December 2019. Collection method: clinical testing. Allele origin: germline.

Natera, Inc.
Classification: Uncertain significance for Usher syndrome type 1F. Last evaluated: 2019-11-11. Review status: no assertion criteria provided. Collection method: clinical testing. Allele origin: germline. Not counted in ClinVar's aggregate classification.